The following is an entry in ClinVar:

NM_001103.4(ACTN2):c.517A>G (p.Ile173Val)

Gene: ACTN2 (actinin alpha 2; plus strand). Cytogenetic location: 1q43.
Variant type: single nucleotide variant.
Coding change: c.517A>G on transcript NM_001103.4 (MANE Select); coding-DNA position 517, A replaced by G.
Protein change: p.Ile173Val; replaces isoleucine 173 with valine.
Molecular consequence: missense variant. On other transcripts: 5 prime UTR variant (1).
Genome position (GRCh38, 1-based): chr1:236,726,001, A>G. VCF-style: chr1-236726001-A-G. GRCh37 (hg19) VCF-style: chr1-236889301-A-G.
Other names: p.I173V:ATT>GTT; c.517A>G, p.Ile173Val (NM_001278343.2); c.-305A>G (NM_001278344.2); short protein forms I173V.
Identifiers: ClinVar variation 201653 (VCV000201653.15), dbSNP rs749860792, ClinGen allele CA335054.
Genomic context (GRCh38, chr1:236,726,001, plus strand): 5'-GCCAAAGAAGGTCTGCTGCTTTGGTGTCAGAGGAAAACTGCTCCTTATAGAAATGTGAAC[A>G]TTCAGAACTTCCATACTAGGTGAGCACCCAGGGCCCCTGGTCCTTGTATTCTCAGTGGAA-3'
Protein context (NP_001094.1, residues 163-183): RKTAPYRNVN[Ile173Val]QNFHTSWKDG

ClinVar aggregate classification (germline): Conflicting classifications of pathogenicity. Review status: criteria provided, conflicting classifications (1 of 4 stars). 4 submissions from 4 submitters: Uncertain significance (1); Benign (1); Likely benign (2). Last evaluated 2025-09-14.

Conditions:
Cardiovascular phenotype. Identifiers: MedGen CN230736.
Dilated cardiomyopathy 1AA (CMD1AA). Also called: Cardiomyopathy, dilated, 1AA, with or without LVNC; CARDIOMYOPATHY, DILATED, 1AA, WITH OR WITHOUT LEFT VENTRICULAR NONCOMPACTION; CARDIOMYOPATHY, FAMILIAL HYPERTROPHIC, 23, WITH OR WITHOUT LEFT VENTRICULAR NONCOMPACTION. Identifiers: Orphanet 154, MedGen C2677338, MONDO:0012808, OMIM 612158.
Primary familial hypertrophic cardiomyopathy (HCM). Identifiers: Orphanet 99739, MedGen C0949658, MeSH D024741, MONDO:0024573. Inheritance: Various modes of inheritance.

Allele frequency attached by ClinVar (database versions not stated): gnomAD exomes below 0.00001 and 0.00001; ExAC 0.00002; gnomAD 0.00005; TOPMed 0.00007.
gnomAD v4.1: 15 of 1,614,040 alleles (0.00093%); highest among the groups gnomAD compares: African/African-American, 0.017%; no homozygotes.

Submissions (4):

Labcorp Genetics (formerly Invitae), Labcorp
Classification: Benign for Primary familial hypertrophic cardiomyopathy; Dilated cardiomyopathy 1AA. Last evaluated: 2025-09-14. Review status: criteria provided, single submitter. Criteria: Invitae Variant Classification Sherloc (09022015). Collection method: clinical testing. Allele origin: germline.

Women's Health and Genetics/Laboratory Corporation of America, LabCorp
Classification: Likely benign. Last evaluated: 2025-03-09. Review status: criteria provided, single submitter. Criteria: LabCorp Variant Classification Summary - May 2015. Collection method: clinical testing. Allele origin: germline.
Comment: Variant summary: ACTN2 c.517A>G (p.Ile173Val) results in a conservative amino acid change in the encoded protein sequence. Four of five in-silico tools predict a benign effect of the variant on protein function. The variant allele was found at a frequency of 9.3e-06 in 1614040 control chromosomes, predominantly at a frequency of 0.00017 within the African or African-American subpopulation in the gnomAD database. The observed variant frequency within African or African-American control individuals in the gnomAD database is approximately 6.8 fold of the estimated maximal expected allele frequency for a pathogenic variant in ACTN2 causing Cardiomyopathy phenotype (2.5e-05). To our knowledge, no occurrence of c.517A>G in individuals affected with Cardiomyopathy and no experimental evidence demonstrating its impact on protein function have been reported. ClinVar contains an entry for this variant (Variation ID: 201653). Based on the evidence outlined above, the variant was classified as likely benign.

Ambry Genetics
Classification: Likely benign for Cardiovascular phenotype. Last evaluated: 2024-02-28. Review status: criteria provided, single submitter. Criteria: Ambry Variant Classification Scheme 2023. Collection method: clinical testing. Allele origin: germline.

GeneDx
Classification: Uncertain significance. Last evaluated: 2019-12-23. Review status: criteria provided, single submitter. Criteria: GeneDx Variant Classification Process June 2021. Collection method: clinical testing. Allele origin: germline. Affected: yes.
Comment: Has not been previously published as pathogenic or benign to our knowledge; In silico analysis, which includes protein predictors and evolutionary conservation, supports that this variant does not alter protein structure/function

Literature cited by the submitters: PubMed 30847666 (cited by Ambry Genetics).